The following is an entry in ClinVar:

ClinVar aggregate classification (germline): Uncertain significance. Review status: criteria provided, multiple submitters, no conflicts (2 of 4 stars). 2 submissions from 2 submitters: Uncertain significance (2). Last evaluated 2025-12-01.

gnomAD v4.1: 4 of 1,614,210 alleles (0.00025%); highest among the groups gnomAD compares: Non-Finnish European, 0.00034%; no homozygotes.

Submissions (2):

CeGaT Center for Human Genetics Tuebingen
Classification: Uncertain significance. Last evaluated: 2025-12-01. Review status: criteria provided, single submitter. Criteria: CeGaT Center For Human Genetics Tuebingen Variant Classification Criteria Version 2. Collection method: clinical testing. Allele origin: germline. Affected: yes. Observed: 1 variant allele.
Comment: VWF: PM2, BP4

Quest Diagnostics Nichols Institute San Juan Capistrano
Classification: Uncertain significance. Last evaluated: 2025-11-07. Review status: criteria provided, single submitter. Criteria: Quest Diagnostics criteria. Collection method: clinical testing. Allele origin: unknown.
Comment: The VWF c.462C>T (p.Tyr154=) synonymous variant has not been reported in individuals with VWF-related conditions in the published literature. The frequency of this variant in the general population (Genome Aggregation Database) is uninformative in the assessment of its pathogenicity. Analysis of this variant using software algorithms for the prediction of the effect of nucleotide changes on splicing yielded predictions that this variant does not affect VWF mRNA splicing. Based on the available information, we are unable to determine the clinical significance of this variant.

NM_000552.5(VWF):c.462C>T (p.Tyr154=)

Gene: VWF (von Willebrand factor; minus strand). Cytogenetic location: 12p13.31.
Variant type: single nucleotide variant.
Coding change: c.462C>T on transcript NM_000552.5 (MANE Select); coding-DNA position 462, C replaced by T.
Protein change: p.Tyr154=; no amino-acid change (tyrosine 154 retained).
Molecular consequence: synonymous variant.
Genome position (GRCh38, 1-based): chr12:6,110,444, G>A on the plus strand (C>T on the coding strand, the complement: VWF is on the minus strand). VCF-style: chr12-6110444-G-A. GRCh37 (hg19) VCF-style: chr12-6219610-G-A.
Identifiers: ClinVar variation 4533009 (VCV004533009.6).
Genomic context (GRCh38, chr12:6,110,444, plus strand): 5'-CATAAAGTCATCTTCAGCAAAGATGTTAAAGTTGCCACACAGCCCGCAGGTCTTGTTGAA[G>A]TATCTGTCTGACAGCAGGACTTGAAAGTTGCCGCTGCCATCGATCCTGGCCACAAAGCCA-3'
Protein context (NP_000543.3, residues 144-164): GNFQVLLSDR[Tyr154=]FNKTCGLCGN